The following is an entry in ClinVar:

ClinVar aggregate classification (germline): Pathogenic (1 of 4 stars; one submission).

Conditions:
Retinoblastoma (RB1). Also called: RETINOBLASTOMA, SOMATIC. Identifiers: Orphanet 790, MedGen C0035335, MeSH D012175, MONDO:0008380, OMIM 180200, HP:0009919. Disease mechanism: loss of function. Inheritance: Both sporadic and heritable forms are tested..

Submission:

Genetic Diagnostic Laboratory, University of Pennsylvania School of Medicine
Classification: Pathogenic for Retinoblastoma. Last evaluated: 2024-05-20. Review status: criteria provided, single submitter. Criteria: ACMG Guidelines, 2015. Collection method: clinical testing. Allele origin: germline. Affected: yes. Observed: 1 variant allele.
Comment: Case and Pedigree Information: BILATERAL CASES:1, UNILATERAL CASES:0, TOTAL CASES:1, PEDIGREES:1. ACMG Codes Applied:PVS1, PM2

NM_000321.3(RB1):c.465T>G (p.Tyr155Ter)

Gene: RB1 (RB transcriptional corepressor 1; plus strand). Cytogenetic location: 13q14.2.
Variant type: single nucleotide variant.
Coding change: c.465T>G on transcript NM_000321.3 (MANE Select); coding-DNA position 465, T replaced by G.
Protein change: p.Tyr155Ter; replaces tyrosine 155 with a stop codon.
Molecular consequence: nonsense.
Genome position (GRCh38, 1-based): chr13:48,345,164, T>G. VCF-style: chr13-48345164-T-G. GRCh37 (hg19) VCF-style: chr13-48919300-T-G.
Other names: c.465T>G, p.Tyr155Ter (NM_001407165.1, NM_001407166.1); short protein forms Y155*.
Identifiers: ClinVar variation 3237129 (VCV003237129.1), dbSNP rs2138087664.